The following is an entry in ClinVar:

ClinVar aggregate classification (germline): Uncertain significance (1 of 4 stars; one submission).

Conditions:
Cardiovascular phenotype. Identifiers: MedGen CN230736.

Submission:

Ambry Genetics
Classification: Uncertain significance for Cardiovascular phenotype. Last evaluated: 2025-02-19. Review status: criteria provided, single submitter. Criteria: Ambry Variant Classification Scheme 2023. Collection method: clinical testing. Allele origin: germline.
Comment: The p.P551A variant (also known as c.1651C>G), located in coding exon 11 of the CBL gene, results from a C to G substitution at nucleotide position 1651. The proline at codon 551 is replaced by alanine, an amino acid with highly similar properties. This amino acid position is conserved. In addition, the in silico prediction for this alteration is inconclusive. Based on the available evidence, the clinical significance of this variant remains unclear.

NM_005188.4(CBL):c.1651C>G (p.Pro551Ala)

Gene: CBL (Cbl proto-oncogene; plus strand). Cytogenetic location: 11q23.3.
Variant type: single nucleotide variant.
Coding change: c.1651C>G on transcript NM_005188.4 (MANE Select); coding-DNA position 1651, C replaced by G.
Protein change: p.Pro551Ala; replaces proline 551 with alanine.
Molecular consequence: missense variant.
Genome position (GRCh38, 1-based): chr11:119,285,276, C>G. VCF-style: chr11-119285276-C-G. GRCh37 (hg19) VCF-style: chr11-119155986-C-G.
Other names: short protein forms P551A.
Identifiers: ClinVar variation 3827855 (VCV003827855.1).